The following is an entry in ClinVar:

ClinVar aggregate classification (germline): Uncertain significance. Review status: criteria provided, multiple submitters, no conflicts (2 of 4 stars). 2 submissions from 2 submitters: Uncertain significance (2). Last evaluated 2022-04-25.

Allele frequency attached by ClinVar (database versions not stated): gnomAD 0.00001; TOPMed 0.00001.
gnomAD v4.1: 1 of 1,613,716 alleles (0.000062%); highest among the groups gnomAD compares: Admixed American, 0.0017%; no homozygotes.

Submissions (2):

Labcorp Genetics (formerly Invitae), Labcorp
Classification: Uncertain significance. Last evaluated: 2022-04-25. Review status: criteria provided, single submitter. Criteria: Invitae Variant Classification Sherloc (09022015). Collection method: clinical testing. Allele origin: germline.
Comment: This sequence change replaces proline, which is neutral and non-polar, with leucine, which is neutral and non-polar, at codon 554 of the USH2A protein (p.Pro554Leu). This variant is present in population databases (no rsID available, gnomAD 0.1%). This variant has not been reported in the literature in individuals affected with USH2A-related conditions. Algorithms developed to predict the effect of missense changes on protein structure and function (SIFT, PolyPhen-2, Align-GVGD) all suggest that this variant is likely to be disruptive. In summary, the available evidence is currently insufficient to determine the role of this variant in disease. Therefore, it has been classified as a Variant of Uncertain Significance.

Blueprint Genetics
Classification: Uncertain significance. Last evaluated: 2017-08-04. Review status: criteria provided, single submitter. Criteria: ACMG Guidelines, 2015. Collection method: clinical testing. Allele origin: germline.

NM_206933.4(USH2A):c.1661C>T (p.Pro554Leu)

Gene: USH2A (usherin; minus strand). Cytogenetic location: 1q41.
Variant type: single nucleotide variant.
Coding change: c.1661C>T on transcript NM_206933.4 (MANE Select); coding-DNA position 1661, C replaced by T.
Protein change: p.Pro554Leu; replaces proline 554 with leucine.
Molecular consequence: missense variant.
Genome position (GRCh38, 1-based): chr1:216,292,354, G>A on the plus strand (C>T on the coding strand, the complement: USH2A is on the minus strand). VCF-style: chr1-216292354-G-A. GRCh37 (hg19) VCF-style: chr1-216465696-G-A.
Other names: c.1661C>T, p.Pro554Leu (NM_007123.6); short protein forms P554L.
Identifiers: ClinVar variation 2088991 (VCV002088991.2), dbSNP rs1242112357, ClinGen allele CA344903538.